The following is an entry in ClinVar:

NM_000136.3(FANCC):c.225T>A (p.Cys75Ter)

Gene: FANCC (FA complementation group C; minus strand). Cytogenetic location: 9q22.32.
Variant type: single nucleotide variant.
Coding change: c.225T>A on transcript NM_000136.3 (MANE Select); coding-DNA position 225, T replaced by A.
Protein change: p.Cys75Ter; replaces cysteine 75 with a stop codon.
Molecular consequence: nonsense.
Genome position (GRCh38, 1-based): chr9:95,247,457, A>T on the plus strand (T>A on the coding strand, the complement: FANCC is on the minus strand). VCF-style: chr9-95247457-A-T. GRCh37 (hg19) VCF-style: chr9-98009739-A-T.
Other names: c.225T>A, p.Cys75Ter (NM_001243743.2, NM_001243744.2); short protein forms C75*.
Identifiers: ClinVar variation 1725927 (VCV001725927.2), dbSNP rs2542842989, ClinGen allele CA374340044.

ClinVar aggregate classification (germline): Likely pathogenic (1 of 4 stars; one submission).

Conditions:
Fanconi anemia complementation group C (FANCC). Also called: FANCONI PANCYTOPENIA, TYPE 3; FACC; Fanconi anemia, group C; FANCC-Related Fanconi Anemia. Identifiers: Orphanet 84, MedGen C3468041, MONDO:0009213, OMIM 227645.

Submission:

Myriad Genetics, Inc.
Classification: Likely pathogenic for Fanconi anemia complementation group C. Last evaluated: 2022-04-15. Review status: criteria provided, single submitter. Criteria: Myriad Women's Health Autosomal Recessive and X-Linked Classification Criteria (2021). Collection method: clinical testing. Allele origin: unknown.
Comment: NM_000136.2(FANCC):c.225T>A(C75*) is expected to be pathogenic in the context of Fanconi anemia, FANCC-related. This variant is predicted to lead to an abnormal or absent protein product due to the creation of a premature termination codon in FANCC, a gene where loss-of-function variants are known to be pathogenic. Please note: this variant was assessed in the context of healthy population screening.